The following is an entry in ClinVar:

ClinVar aggregate classification (germline): Likely benign (1 of 4 stars; one submission).

Conditions:
Breast-ovarian cancer, familial, susceptibility to, 1 (BROVCA1). Also called: BRCA1 Hereditary Breast and Ovarian Cancer; OVARIAN CANCER, SUSCEPTIBILITY TO. Identifiers: Orphanet 145, MedGen C2676676, MONDO:0011450, OMIM 604370. Disease mechanism: loss of function.

Submission:

Myriad Genetics, Inc.
Classification: Likely benign for Breast-ovarian cancer, familial, susceptibility to, 1. Last evaluated: 2025-03-14. Review status: criteria provided, single submitter. Criteria: Myriad Autosomal Dominant, Autosomal Recessive and X-Linked Classification Criteria (2023). Collection method: clinical testing. Allele origin: unknown.
Comment: This variant is considered likely benign. This variant been observed in trans with a known pathogenic variant in one or more individuals. Compound heterozygosity for pathogenic variants in this gene is generally assumed to result in embryonic lethality.

NM_007294.4(BRCA1):c.1316C>T (p.Ala439Val)

Gene: BRCA1 (BRCA1 DNA repair associated; minus strand). Cytogenetic location: 17q21.31.
Variant type: single nucleotide variant.
Coding change: c.1316C>T on transcript NM_007294.4 (MANE Select); coding-DNA position 1316, C replaced by T.
Protein change: p.Ala439Val; replaces alanine 439 with valine.
Molecular consequence: missense variant. On other transcripts: intron variant (137).
Genome position (GRCh38, 1-based): chr17:43,094,215, G>A on the plus strand (C>T on the coding strand, the complement: BRCA1 is on the minus strand). VCF-style: chr17-43094215-G-A. GRCh37 (hg19) VCF-style: chr17-41246232-G-A.
Other names: c.577+529C>T (NM_001408479.1, NM_001408482.1, NM_001408483.1 and 9 more transcripts); c.661+529C>T (NM_001408445.1, NM_001408432.1, NM_001408450.1 and 6 more transcripts); c.667+1631C>T (NM_001408431.1, NM_001408424.1, NM_001408421.1); c.784+529C>T (NM_001408407.1, NM_001408402.1, NM_001408473.1 and 13 more transcripts); c.664+529C>T (NM_001408443.1, NM_001408439.1, NM_001408425.1 and 12 more transcripts); c.670+1631C>T (NM_001408419.1, NM_001408422.1, NM_001408418.1 and 2 more transcripts); c.787+529C>T (NM_001408403.1, NM_001407983.1, NM_001407975.1 and 19 more transcripts); c.790+526C>T (NM_001408406.1); and 40 more; short protein forms A143V, A271V, A311V, A312V, A327V, A328V, A350V, A351V.
Identifiers: ClinVar variation 3903873 (VCV003903873.1).